The following is an entry in ClinVar:

ClinVar aggregate classification (germline): Uncertain significance (1 of 4 stars; one submission).

Allele frequency attached by ClinVar (database versions not stated): TOPMed below 0.00001; gnomAD 0.00001.
gnomAD v4.1: 1 of 1,614,010 alleles (0.000062%); highest among the groups gnomAD compares: Non-Finnish European, 0.000085%; no homozygotes.

Submission:

GeneDx
Classification: Uncertain significance. Last evaluated: 2022-02-02. Review status: criteria provided, single submitter. Criteria: GeneDx Variant Classification Process June 2021. Collection method: clinical testing. Allele origin: germline. Affected: yes.
Comment: Has not been previously published as pathogenic or benign to our knowledge; Not observed at significant frequency in large population cohorts (gnomAD); In silico analysis supports that this missense variant has a deleterious effect on protein structure/function; Does not affect a cysteine residue within a calcium-binding EGF-like domain of the FBN2 gene; cysteine substitutions in the calcium-binding EGF-like domains represent the majority of pathogenic missense changes associated with FBN2-related disorders (Collod-Beroud et al., 2003).; This variant is associated with the following publications: (PMID: 12938084)

NM_001999.4(FBN2):c.2222G>A (p.Cys741Tyr)

Gene: FBN2 (fibrillin 2; minus strand). Cytogenetic location: 5q23.3.
Variant type: single nucleotide variant.
Coding change: c.2222G>A on transcript NM_001999.4 (MANE Select); coding-DNA position 2222, G replaced by A.
Protein change: p.Cys741Tyr; replaces cysteine 741 with tyrosine.
Molecular consequence: missense variant.
Genome position (GRCh38, 1-based): chr5:128,369,208, C>T on the plus strand (G>A on the coding strand, the complement: FBN2 is on the minus strand). VCF-style: chr5-128369208-C-T. GRCh37 (hg19) VCF-style: chr5-127704901-C-T.
Other names: short protein forms C741Y.
Identifiers: ClinVar variation 1700401 (VCV001700401.2), dbSNP rs1751862882, ClinGen allele CA360738853.